The following is an entry in ClinVar:

ClinVar aggregate classification (germline): Uncertain significance. Review status: criteria provided, multiple submitters, no conflicts (2 of 4 stars). 4 submissions from 4 submitters: Uncertain significance (3). 1 of the submissions does not count toward it. Last evaluated 2024-11-04.

Conditions:
Neuronal ceroid lipofuscinosis 1 (CLN1). Also called: CEROID LIPOFUSCINOSIS, NEURONAL, 1, VARIABLE AGE AT ONSET; PPT1-Related Neuronal Ceroid-Lipofuscinosis. Identifiers: Orphanet 228329, MedGen C1850451, MONDO:0009744, OMIM 256730.

Allele frequency attached by ClinVar (database versions not stated): TOPMed 0.00002; gnomAD 0.00003; ExAC 0.00004; ESP Exome Variant Server 0.00015.
gnomAD v4.1: 58 of 1,612,900 alleles (0.0036%); highest among the groups gnomAD compares: Non-Finnish European, 0.0048%; no homozygotes.

Submissions (5):

Women's Health and Genetics/Laboratory Corporation of America, LabCorp
Classification: Uncertain significance. Last evaluated: 2024-11-04. Review status: criteria provided, single submitter. Criteria: LabCorp Variant Classification Summary - May 2015. Collection method: clinical testing. Allele origin: germline.

Labcorp Genetics (formerly Invitae), Labcorp
Classification: Uncertain significance for Neuronal ceroid lipofuscinosis 1. Last evaluated: 2022-09-16. Review status: criteria provided, single submitter. Criteria: Invitae Variant Classification Sherloc (09022015). Collection method: clinical testing. Allele origin: germline.
Comment: This sequence change affects codon 121 of the PPT1 mRNA. It is a 'silent' change, meaning that it does not change the encoded amino acid sequence of the PPT1 protein. It affects a nucleotide within the consensus splice site. This variant is present in population databases (rs201820661, gnomAD 0.007%). This variant has not been reported in the literature in individuals affected with PPT1-related conditions. ClinVar contains an entry for this variant (Variation ID: 640312). Algorithms developed to predict the effect of sequence changes on RNA splicing suggest that this variant may create or strengthen a splice site. In summary, the available evidence is currently insufficient to determine the role of this variant in disease. Therefore, it has been classified as a Variant of Uncertain Significance.

GeneDx
Classification: Uncertain significance. Last evaluated: 2021-06-04. Review status: criteria provided, single submitter. Criteria: GeneDx Variant Classification Process June 2021. Collection method: clinical testing. Allele origin: germline. Affected: yes.
Comment: Not observed at a significant frequency in large population cohorts (Lek et al., 2016); Has not been previously published as pathogenic or benign to our knowledge; In silico analysis, which includes splice predictors and evolutionary conservation, suggests this variant may impact gene splicing. In the absence of RNA/functional studies, the actual effect of this sequence change is unknown.; This variant is associated with the following publications: (PMID: 27535533)

Natera, Inc.
Classification: Uncertain significance for Neuronal ceroid lipofuscinosis 1. Last evaluated: 2020-09-16. Review status: no assertion criteria provided. Collection method: clinical testing. Allele origin: germline. Not counted in ClinVar's aggregate classification.

Dr. Peter K. Rogan Lab, Western University
No classification provided (evidence only). Condition: Familial cancer of breast. Review status: no classification provided. Collection method: in vitro. Allele origin: not applicable. Functional consequence: cryptic splice site, retained intron. Not counted in ClinVar's aggregate classification.

NM_000310.4(PPT1):c.363G>T (p.Leu121=)

Gene: PPT1 (palmitoyl-protein thioesterase 1; minus strand). Cytogenetic location: 1p34.2.
Variant type: single nucleotide variant.
Coding change: c.363G>T on transcript NM_000310.4 (MANE Select); coding-DNA position 363, G replaced by T.
Protein change: p.Leu121=; no amino-acid change (leucine 121 retained).
Molecular consequence: synonymous variant. On other transcripts: intron variant (1).
Genome position (GRCh38, 1-based): chr1:40,091,399, C>A on the plus strand (G>T on the coding strand, the complement: PPT1 is on the minus strand). VCF-style: chr1-40091399-C-A. GRCh37 (hg19) VCF-style: chr1-40557071-C-A.
Other names: c.363G>T, p.Leu121= (NM_001363695.2); c.125-1887G>T (NM_001142604.2).
Identifiers: ClinVar variation 640312 (VCV000640312.11), dbSNP rs201820661, ClinGen allele CA789723.
Genomic context (GRCh38, chr1:40,091,399, plus strand): 5'-TCCCCCAACCGAGATCAGATTGATCATGGGAGGTGAAGGGCATCTCTGAGCCACTGCCCT[C>A]CTACGGAATAAAAGGGAGTTTTAGCTCCGACTGTCAGATGGAAATGTATCATCCACAATC-3'
Protein context (NP_000301.1, residues 111-131): AMGFSQGGQF[Leu121=]RAVAQRCPSP